The following is an entry in ClinVar:

ClinVar aggregate classification (germline): Uncertain significance. Review status: criteria provided, multiple submitters, no conflicts (2 of 4 stars). 3 submissions from 3 submitters: Uncertain significance (3). Last evaluated 2025-10-14.

Conditions:
Ehlers-Danlos syndrome, type 4 (EDSVASC). Also called: Ehlers-Danlos syndrome vascular type; Ehlers Danlos syndrome, ecchymotic type; Ehlers Danlos syndrome, arterial type; Ehlers Danlos syndrome, Sack-Barabas type; Ehlers-Danlos Syndrome Type IV. Identifiers: Orphanet 286, MedGen C0268338, MONDO:0017314, OMIM 130050.

Submissions (3):

Labcorp Genetics (formerly Invitae), Labcorp
Classification: Uncertain significance for Ehlers-Danlos syndrome, type 4. Last evaluated: 2025-10-14. Review status: criteria provided, single submitter. Criteria: Invitae Variant Classification Sherloc (09022015). Collection method: clinical testing. Allele origin: germline.
Comment: This sequence change replaces proline, which is neutral and non-polar, with serine, which is neutral and polar, at codon 905 of the COL3A1 protein (p.Pro905Ser). This variant is not present in population databases (gnomAD no frequency). This variant has not been reported in the literature in individuals affected with COL3A1-related conditions. ClinVar contains an entry for this variant (Variation ID: 618577). Invitae Evidence Modeling of protein sequence and biophysical properties (such as structural, functional, and spatial information, amino acid conservation, physicochemical variation, residue mobility, and thermodynamic stability) indicates that this missense variant is not expected to disrupt COL3A1 protein function with a negative predictive value of 95%. In summary, the available evidence is currently insufficient to determine the role of this variant in disease. Therefore, it has been classified as a Variant of Uncertain Significance.

All of Us Research Program, National Institutes of Health
Classification: Uncertain significance for Ehlers-Danlos syndrome, type 4. Last evaluated: 2024-03-24. Review status: criteria provided, single submitter. Criteria: ACMG Guidelines, 2015. Collection method: clinical testing. Allele origin: germline. Inheritance: Autosomal dominant inheritance. Observed: 1 variant allele, 1 heterozygote.
Comment: This missense variant replaces proline with serine at codon 905 of the COL3A1 protein. Computational prediction suggests that this variant may not impact protein structure and function (internally defined REVEL score threshold <= 0.5, PMID: 27666373). To our knowledge, functional studies have not been reported for this variant. This variant has not been reported in individuals affected with COL3A1-related disorders in the literature. This variant has not been identified in the general population by the Genome Aggregation Database (gnomAD). The available evidence is insufficient to determine the role of this variant in disease conclusively. Therefore, this variant is classified as a Variant of Uncertain Significance.

This study involves interpretation of variants in research participants for the purpose of population health screening. Participant phenotype was not available at the time of variant classification. Additional details can be found in publication PMID: 35346344, PMCID: PMC8962531

ARUP Laboratories, Molecular Genetics and Genomics, ARUP Laboratories
Classification: Uncertain significance. Last evaluated: 2018-02-05. Review status: criteria provided, single submitter. Criteria: ARUP Molecular Germline Variant Investigation Process. Collection method: clinical testing. Allele origin: germline.
Comment: The COL3A1 c.2713C>T; p.Pro905Ser variant, to our knowledge, is not reported in the medical literature, gene specific variation databases, nor has it been previously identified by our laboratory. This variant is absent from the general population databases (1000 Genomes Project, Exome Variant Server, Genome Aggregation Database), indicating it is not a common polymorphism. The proline at position 905 is moderately conserved, considering 9 species, and computational analyses of the effects of the p.Pro905Ser variant on protein structure and function do not predict a deleterious effect (SIFT:tolerated, PolyPhen-2: benign). Based on the available information, the clinical significance of the p.Pro905Ser variant cannot be determined with certainty.

NM_000090.4(COL3A1):c.2713C>T (p.Pro905Ser)

Gene: COL3A1 (collagen type III alpha 1 chain; plus strand). Cytogenetic location: 2q32.2.
Variant type: single nucleotide variant.
Coding change: c.2713C>T on transcript NM_000090.4 (MANE Select); coding-DNA position 2713, C replaced by T.
Protein change: p.Pro905Ser; replaces proline 905 with serine.
Molecular consequence: missense variant.
Genome position (GRCh38, 1-based): chr2:189,004,033, C>T. VCF-style: chr2-189004033-C-T. GRCh37 (hg19) VCF-style: chr2-189868759-C-T.
Other names: short protein forms P905S.
Identifiers: ClinVar variation 618577 (VCV000618577.10), dbSNP rs112640146, ClinGen allele CA349843887.